The following is an entry in ClinVar:

NM_003737.4(DCHS1):c.155A>T (p.Asp52Val)

Gene: DCHS1 (dachsous cadherin-related 1; minus strand). Cytogenetic location: 11p15.4.
Variant type: single nucleotide variant.
Coding change: c.155A>T on transcript NM_003737.4 (MANE Select); coding-DNA position 155, A replaced by T.
Protein change: p.Asp52Val; replaces aspartic acid 52 with valine.
Molecular consequence: missense variant.
Genome position (GRCh38, 1-based): chr11:6,641,459, T>A on the plus strand (A>T on the coding strand, the complement: DCHS1 is on the minus strand). VCF-style: chr11-6641459-T-A. GRCh37 (hg19) VCF-style: chr11-6662690-T-A.
Other names: short protein forms D52V.
Identifiers: ClinVar variation 4744094 (VCV004744094.1).

ClinVar aggregate classification (germline): Uncertain significance (1 of 4 stars; one submission).

Submission:

Labcorp Genetics (formerly Invitae), Labcorp
Classification: Uncertain significance. Last evaluated: 2025-09-07. Review status: criteria provided, single submitter. Criteria: Invitae Variant Classification Sherloc (09022015). Collection method: clinical testing. Allele origin: germline.
Comment: This sequence change replaces aspartic acid, which is acidic and polar, with valine, which is neutral and non-polar, at codon 52 of the DCHS1 protein (p.Asp52Val). This variant is not present in population databases (gnomAD no frequency). This variant has not been reported in the literature in individuals affected with DCHS1-related conditions. Invitae Evidence Modeling of protein sequence and biophysical properties (such as structural, functional, and spatial information, amino acid conservation, physicochemical variation, residue mobility, and thermodynamic stability) indicates that this missense variant is not expected to disrupt DCHS1 protein function with a negative predictive value of 80%. In summary, the available evidence is currently insufficient to determine the role of this variant in disease. Therefore, it has been classified as a Variant of Uncertain Significance.